The following is an entry in ClinVar:

NM_004006.3(DMD):c.2968C>T (p.Gln990Ter)

Gene: DMD (dystrophin; minus strand). Cytogenetic location: Xp21.1.
Variant type: single nucleotide variant.
Coding change: c.2968C>T on transcript NM_004006.3 (MANE Select); coding-DNA position 2968, C replaced by T.
Protein change: p.Gln990Ter; replaces glutamine 990 with a stop codon.
Molecular consequence: nonsense.
Genome position (GRCh38, 1-based): chrX:32,468,692, G>A on the plus strand (C>T on the coding strand, the complement: DMD is on the minus strand). VCF-style: chrX-32468692-G-A. GRCh37 (hg19) VCF-style: chrX-32486809-G-A.
Other names: c.2944C>T, p.Gln982Ter (NM_000109.4); c.2956C>T, p.Gln986Ter (NM_004009.3); c.2599C>T, p.Gln867Ter (NM_004010.3); short protein forms Q990*, Q986*, Q867*, Q982*.
Identifiers: ClinVar variation 499537 (VCV000499537.13), dbSNP rs1233380601, ClinGen allele CA412667159.

ClinVar aggregate classification (germline): Pathogenic. Review status: criteria provided, multiple submitters, no conflicts (2 of 4 stars). 3 submissions from 3 submitters: Pathogenic (3). Last evaluated 2026-01-17.

Conditions:
Duchenne muscular dystrophy (DMD). Also called: MUSCULAR DYSTROPHY, PSEUDOHYPERTROPHIC PROGRESSIVE, DUCHENNE TYPE; Duchenne Muscular Dystrophy (DMD). Identifiers: Orphanet 98896, MedGen C0013264, MONDO:0010679, OMIM 310200.

Submissions (4):

Labcorp Genetics (formerly Invitae), Labcorp
Classification: Pathogenic for Duchenne muscular dystrophy. Last evaluated: 2026-01-17. Review status: criteria provided, single submitter. Criteria: Invitae Variant Classification Sherloc (09022015). Collection method: clinical testing. Allele origin: germline.
Comment: This sequence change creates a premature translational stop signal (p.Gln990*) in the DMD gene. It is expected to result in an absent or disrupted protein product. Loss-of-function variants in DMD are known to be pathogenic (PMID: 16770791, 25007885). This variant is not present in population databases (gnomAD no frequency). This premature translational stop signal has been observed in individual(s) with DMD-related dystrophinopathies (PMID: 16834926, 32559196). ClinVar contains an entry for this variant (Variation ID: 499537). For these reasons, this variant has been classified as Pathogenic.

Eurofins Ntd Llc (ga)
Classification: Pathogenic. Last evaluated: 2017-01-09. Review status: criteria provided, single submitter. Criteria: EGL Classification Definitions 2015. Collection method: clinical testing. Allele origin: germline. Observed: 1 variant allele, 1 hemizygote.

Neuberg Centre For Genomic Medicine, NCGM
Classification: Pathogenic for Duchenne muscular dystrophy. Review status: criteria provided, single submitter. Criteria: ACMG Guidelines, 2015. Collection method: clinical testing. Allele origin: germline. Inheritance: X-linked recessive inheritance. Affected: yes.
Comment: The above variant has been previously reported in individuals with DMD related disorders (Kumar SH,et al., 2020). Loss-of-function variants in DMD are known to be pathogenic (Aartsma-Rus A, et al., 2006). For these reason, this variant has been classified as Pathogenic

Dr. Peter K. Rogan Lab, Western University
No classification provided (evidence only). Condition: Malignant tumor of urinary bladder. Review status: no classification provided. Collection method: in vitro. Allele origin: not applicable. Functional consequence: retained intron. Not counted in ClinVar's aggregate classification.

Literature cited by the submitters: PubMed 16770791 (cited by Labcorp Genetics (formerly Invitae), Labcorp); PubMed 25007885 (cited by Labcorp Genetics (formerly Invitae), Labcorp); PubMed 16834926 (cited by Labcorp Genetics (formerly Invitae), Labcorp); PubMed 32559196 (cited by Labcorp Genetics (formerly Invitae), Labcorp); PubMed 11524473 (cited by Eurofins Ntd Llc (ga)); PubMed 19937601 (cited by Eurofins Ntd Llc (ga)).